The following is an entry in ClinVar:

ClinVar aggregate classification (germline): Uncertain significance (1 of 4 stars; one submission).

Conditions:
ZNF292-related disorder. Also called: ZNF292-related condition.

Submission:

PreventionGenetics, part of Exact Sciences
Classification: Uncertain significance for ZNF292-related condition. Last evaluated: 2026-08-03. Review status: criteria provided, single submitter. Criteria: ACMG Guidelines, 2015. Collection method: clinical testing. Allele origin: germline.
Comment: The ZNF292 c.5012C>T variant is predicted to result in the amino acid substitution p.Ser1671Leu. To our knowledge, this variant has not been reported in the literature or in a large population database (gnomAD), indicating this variant is rare. At this time, the clinical significance of this variant is uncertain due to the absence of conclusive functional and genetic evidence.

NM_015021.3(ZNF292):c.5012C>T (p.Ser1671Leu)

Gene: ZNF292 (zinc finger protein 292; plus strand). Cytogenetic location: 6q14.3.
Variant type: single nucleotide variant.
Coding change: c.5012C>T on transcript NM_015021.3 (MANE Select); coding-DNA position 5012, C replaced by T.
Protein change: p.Ser1671Leu; replaces serine 1671 with leucine.
Molecular consequence: missense variant.
Genome position (GRCh38, 1-based): chr6:87,258,641, C>T. VCF-style: chr6-87258641-C-T. GRCh37 (hg19) VCF-style: chr6-87968359-C-T.
Other names: c.4592C>T, p.Ser1531Leu (NM_001351444.2); short protein forms S1671L, S1531L.
Identifiers: ClinVar variation 4987073 (VCV004987073.1).